The following is an entry in ClinVar:

ClinVar aggregate classification (germline): Uncertain significance. Review status: criteria provided, multiple submitters, no conflicts (2 of 4 stars). 3 submissions from 3 submitters: Uncertain significance (3). Last evaluated 2025-07-07.

Conditions:
Hereditary nonpolyposis colorectal neoplasms. Identifiers: MedGen C0009405, MeSH D003123.
Hereditary cancer-predisposing syndrome. Also called: Neoplastic Syndromes, Hereditary; Tumor predisposition; Hereditary neoplastic syndrome; Hereditary Cancer Syndrome. Identifiers: Orphanet 140162, MedGen C0027672, MeSH D009386, MONDO:0015356.

Allele frequency attached by ClinVar (database versions not stated): ExAC 0.00001.
gnomAD v4.1: 1 of 1,614,068 alleles (0.000062%); highest among the groups gnomAD compares: Non-Finnish European, 0.000085%; no homozygotes.

Submissions (3):

Ambry Genetics
Classification: Uncertain significance for Hereditary cancer-predisposing syndrome. Last evaluated: 2025-07-07. Review status: criteria provided, single submitter. Criteria: Ambry Variant Classification Scheme 2023. Collection method: clinical testing. Allele origin: germline.
Comment: The p.M452V variant (also known as c.1354A>G), located in coding exon 4 of the MSH6 gene, results from an A to G substitution at nucleotide position 1354. The methionine at codon 452 is replaced by valine, an amino acid with highly similar properties. This amino acid position is conserved. In addition, this alteration is predicted to be deleterious by in silico analysis. Based on the available evidence, the clinical significance of this variant remains unclear.

Color Diagnostics, LLC DBA Color Health
Classification: Uncertain significance for Hereditary cancer-predisposing syndrome. Last evaluated: 2025-06-24. Review status: criteria provided, single submitter. Criteria: ACMG Guidelines, 2015. Collection method: clinical testing. Allele origin: germline.
Comment: This missense variant replaces methionine with valine at codon 452 of the MSH6 protein. Computational prediction suggests that this variant may have deleterious impact on protein structure and function. To our knowledge, functional studies have not been reported for this variant. This variant has not been reported in individuals affected with MSH6-related disorders in the literature. This variant has not been identified in the general population by the Genome Aggregation Database (gnomAD). The available evidence is insufficient to determine the role of this variant in disease conclusively. Therefore, this variant is classified as a Variant of Uncertain Significance.

Labcorp Genetics (formerly Invitae), Labcorp
Classification: Uncertain significance for Hereditary nonpolyposis colorectal neoplasms. Last evaluated: 2024-06-11. Review status: criteria provided, single submitter. Criteria: Invitae Variant Classification Sherloc (09022015). Collection method: clinical testing. Allele origin: germline.
Comment: This sequence change replaces methionine, which is neutral and non-polar, with valine, which is neutral and non-polar, at codon 452 of the MSH6 protein (p.Met452Val). This variant is present in population databases (rs780734507, gnomAD 0.0009%). This variant has not been reported in the literature in individuals affected with MSH6-related conditions. ClinVar contains an entry for this variant (Variation ID: 1372693). Advanced modeling of protein sequence and biophysical properties (such as structural, functional, and spatial information, amino acid conservation, physicochemical variation, residue mobility, and thermodynamic stability) has been performed at Invitae for this missense variant, however the output from this modeling did not meet the statistical confidence thresholds required to predict the impact of this variant on MSH6 protein function. In summary, the available evidence is currently insufficient to determine the role of this variant in disease. Therefore, it has been classified as a Variant of Uncertain Significance.

NM_000179.3(MSH6):c.1354A>G (p.Met452Val)

Gene: MSH6 (mutS homolog 6; plus strand). Cytogenetic location: 2p16.3.
Variant type: single nucleotide variant.
Coding change: c.1354A>G on transcript NM_000179.3 (MANE Select); coding-DNA position 1354, A replaced by G.
Protein change: p.Met452Val; replaces methionine 452 with valine.
Molecular consequence: missense variant.
Genome position (GRCh38, 1-based): chr2:47,799,337, A>G. VCF-style: chr2-47799337-A-G. GRCh37 (hg19) VCF-style: chr2-48026476-A-G.
Other names: c.1354A>G (NM_000179.2); c.964A>G, p.Met322Val (NM_001281492.2); c.448A>G, p.Met150Val (NM_001281493.2, NM_001281494.2); short protein forms M322V, M452V, M150V.
Identifiers: ClinVar variation 1372693 (VCV001372693.7), dbSNP rs780734507, ClinGen allele CA067532.